The following is an entry in ClinVar:

ClinVar aggregate classification (germline): Uncertain significance (1 of 4 stars; one submission).

Conditions:
Neurofibromatosis, type 1 (NF1). Also called: VON RECKLINGHAUSEN DISEASE; NEUROFIBROMATOSIS, TYPE I, SOMATIC; Peripheral type neurofibromatosis; Neurofibromatosis, type I. Identifiers: Orphanet 636, MedGen C0027831, MONDO:0018975, OMIM 162200. Disease mechanism: loss of function.

Allele frequency attached by ClinVar (database versions not stated): gnomAD exomes below 0.00001.
gnomAD v4.1: 1 of 1,611,500 alleles (0.000062%); highest among the groups gnomAD compares: Non-Finnish European, 0.000085%; no homozygotes.

Submission:

Labcorp Genetics (formerly Invitae), Labcorp
Classification: Uncertain significance for Neurofibromatosis, type 1. Last evaluated: 2018-12-23. Review status: criteria provided, single submitter. Criteria: Invitae Variant Classification Sherloc (09022015). Collection method: clinical testing. Allele origin: germline.
Comment: In summary, the available evidence is currently insufficient to determine the role of this variant in disease. Therefore, it has been classified as a Variant of Uncertain Significance. Algorithms developed to predict the effect of missense changes on protein structure and function are either unavailable or do not agree on the potential impact of this missense change (SIFT: "Tolerated"; PolyPhen-2: "Probably Damaging"; Align-GVGD: "Class C0"). This variant has not been reported in the literature in individuals with NF1-related conditions. This variant is not present in population databases (ExAC no frequency). This sequence change replaces cysteine with serine at codon 2034 of the NF1 protein (p.Cys2034Ser). The cysteine residue is moderately conserved and there is a moderate physicochemical difference between cysteine and serine.

NM_001042492.3(NF1):c.6164G>C (p.Cys2055Ser)

Gene: NF1 (neurofibromin 1; plus strand). Cytogenetic location: 17q11.2.
Variant type: single nucleotide variant.
Coding change: c.6164G>C on transcript NM_001042492.3 (MANE Select); coding-DNA position 6164, G replaced by C.
Protein change: p.Cys2055Ser; replaces cysteine 2055 with serine.
Molecular consequence: missense variant.
Genome position (GRCh38, 1-based): chr17:31,336,651, G>C. VCF-style: chr17-31336651-G-C. GRCh37 (hg19) VCF-style: chr17-29663669-G-C.
Other names: c.6101G>C, p.Cys2034Ser (NM_000267.4); short protein forms C2034S, C2055S.
Identifiers: ClinVar variation 657125 (VCV000657125.5), dbSNP rs1597842735, ClinGen allele CA399011742.
Genomic context (GRCh38, chr17:31,336,651, plus strand): 5'-CCCATGTTTTTTTTTTTAAAAAAAAAAATCCTGCTTCTTTACAGGTTATTGGAAGGATGT[G>C]CAAAATAATTGACAAGACATGCTTATCTCCAACTCCTACTTTAGAACAACATCTTATGTG-3'
Protein context (NP_001035957.1, residues 2045-2065): LVSSKVIGRM[Cys2055Ser]KIIDKTCLSP